The following is an entry in ClinVar:

ClinVar aggregate classification (germline): Pathogenic (1 of 4 stars; one submission).

Conditions:
Recessive dystrophic epidermolysis bullosa (RDEB). Also called: Hallopeau-Siemens Disease; DYSTROPHIC EPIDERMOLYSIS BULLOSA, AUTOSOMAL RECESSIVE; EPIDERMOLYSIS BULLOSA DYSTROPHICA, HALLOPEAU-SIEMENS TYPE; EPIDERMOLYSIS BULLOSA DYSTROPHICA, GENERALIZED SEVERE, AUTOSOMAL RECESSIVE; epidermolysis bullosa dystrophica, autosomal recessive; Recessive DEB (RDEB). Identifiers: Orphanet 79408, Orphanet 79409, MedGen C0079474, MONDO:0009179, OMIM 226600.

Submission:

3billion
Classification: Pathogenic for Recessive dystrophic epidermolysis bullosa. Last evaluated: 2022-09-01. Review status: criteria provided, single submitter. Criteria: ACMG Guidelines, 2015. Collection method: clinical testing. Allele origin: germline. Affected: yes. Observed: 1 homozygote.
Comment: The variant is not observed in the gnomAD v2.1.1 dataset. Frameshift variant is predicted to result in a loss or disruption of normal protein function through nonsense-mediated decay (NMD) or protein truncation. Multiple pathogenic variants are reported downstream of the variant. Therefore, this variant is classified as Pathogenic according to the recommendation of ACMG/AMP guideline.

NM_000094.4(COL7A1):c.5324del (p.Pro1775fs)

Gene: COL7A1 (collagen type VII alpha 1 chain; minus strand). Cytogenetic location: 3p21.31.
Variant type: Deletion.
Coding change: c.5324del on transcript NM_000094.4 (MANE Select); coding-DNA position 5324, one base deleted (C; older notation c.5324delC).
Protein change: p.Pro1775fs; shifts the reading frame from proline 1775.
Molecular consequence: frameshift variant.
Genome position (GRCh38, 1-based): chr3:48,579,261, G deleted on the plus strand (C on the coding strand, the reverse complement: COL7A1 is on the minus strand); the first of 5 consecutive G bases (chr3:48,579,261-48,579,265); deleting any one gives the same sequence. VCF-style (leftmost placement, unchanged base first): chr3-48579260-AG-A. GRCh37 (hg19) VCF-style: chr3-48616693-AG-A.
Other names: short protein forms P1775fs.
Identifiers: ClinVar variation 1705667 (VCV001705667.1), dbSNP rs2531054735, ClinGen allele CA2580069920.